The following is an entry in ClinVar:

NM_007078.3(LDB3):c.1498T>C (p.Phe500Leu)

Gene: LDB3 (LIM domain binding 3; plus strand). Cytogenetic location: 10q23.2.
Variant type: single nucleotide variant.
Coding change: c.1498T>C on transcript NM_007078.3 (MANE Select); coding-DNA position 1498, T replaced by C.
Protein change: p.Phe500Leu; replaces phenylalanine 500 with leucine.
Molecular consequence: missense variant.
Genome position (GRCh38, 1-based): chr10:86,716,593, T>C. VCF-style: chr10-86716593-T-C. GRCh37 (hg19) VCF-style: chr10-88476350-T-C.
Other names: c.1168T>C, p.Phe390Leu (NM_001080114.2); c.1513T>C, p.Phe505Leu (NM_001171610.2); c.1309T>C, p.Phe437Leu (NM_001368064.1, NM_001368065.1); c.1357T>C, p.Phe453Leu (NM_001368066.1); short protein forms F453L, F500L, F437L, F505L, F390L.
Identifiers: ClinVar variation 2563921 (VCV002563921.2), dbSNP rs2492809821, ClinGen allele CA377451039.

ClinVar aggregate classification (germline): Uncertain significance (1 of 4 stars; one submission).

Conditions:
Cardiovascular phenotype. Identifiers: MedGen CN230736.

Submission:

Ambry Genetics
Classification: Uncertain significance for Cardiovascular phenotype. Last evaluated: 2023-04-18. Review status: criteria provided, single submitter. Criteria: Ambry Variant Classification Scheme 2023. Collection method: clinical testing. Allele origin: germline.
Comment: The p.F500L variant (also known as c.1498T>C), located in coding exon 9 of the LDB3 gene, results from a T to C substitution at nucleotide position 1498. The phenylalanine at codon 500 is replaced by leucine, an amino acid with highly similar properties. This amino acid position is conserved. In addition, the in silico prediction for this alteration is inconclusive. Since supporting evidence is limited at this time, the clinical significance of this alteration remains unclear.